The following is an entry in ClinVar:

NM_000090.4(COL3A1):c.3526-12T>C

Gene: COL3A1 (collagen type III alpha 1 chain; plus strand). Cytogenetic location: 2q32.2.
Variant type: single nucleotide variant.
Coding change: c.3526-12T>C on transcript NM_000090.4 (MANE Select); 12 bases into the intron before coding-DNA position 3526, T replaced by C.
Molecular consequence: intron variant.
Genome position (GRCh38, 1-based): chr2:189,008,912, T>C. VCF-style: chr2-189008912-T-C. GRCh37 (hg19) VCF-style: chr2-189873638-T-C.
Identifiers: ClinVar variation 3386488 (VCV003386488.1).
Genomic context (GRCh38, chr2:189,008,912, plus strand): 5'-GGACTAGCAATGTATTCTTAGAGTGGCGACTGAATGTGCATACCTCAATGATCCATGTTT[T>C]ACTCATTCTAGGGCTCCCCAGGCCACCCAGGGCAACCAGGCCCTCCTGGACCTCCTGGTG-3'

ClinVar aggregate classification (germline): Likely benign (1 of 4 stars; one submission).

Conditions:
Ehlers-Danlos syndrome, type 4 (EDSVASC). Also called: Ehlers-Danlos syndrome vascular type; Ehlers Danlos syndrome, ecchymotic type; Ehlers Danlos syndrome, arterial type; Ehlers Danlos syndrome, Sack-Barabas type; Ehlers-Danlos Syndrome Type IV. Identifiers: Orphanet 286, MedGen C0268338, MONDO:0017314, OMIM 130050.

Submission:

All of Us Research Program, National Institutes of Health
Classification: Likely benign for Ehlers-Danlos syndrome, type 4. Last evaluated: 2024-06-09. Review status: criteria provided, single submitter. Criteria: ACMG Guidelines, 2015. Collection method: clinical testing. Allele origin: germline. Inheritance: Autosomal dominant inheritance. Observed: 1 variant allele, 1 heterozygote.
Comment: This study involves interpretation of variants in research participants for the purpose of population health screening. Participant phenotype was not available at the time of variant classification. Additional details can be found in publication PMID: 35346344, PMCID: PMC8962531